The following is an entry in ClinVar:

ClinVar aggregate classification (germline): Uncertain significance. Review status: criteria provided, multiple submitters, no conflicts (2 of 4 stars). 2 submissions from 2 submitters: Uncertain significance (2). Last evaluated 2026-01-23.

Conditions:
Glucose-6-phosphate transport defect (GSD1B). Also called: GSD Ib; Glycogen Storage Disease Type Ib. Identifiers: Orphanet 364, Orphanet 79259, MedGen C0268146, MONDO:0009288, OMIM 232220.

Submissions (2):

Women's Health and Genetics/Laboratory Corporation of America, LabCorp
Classification: Uncertain significance. Last evaluated: 2026-01-23. Review status: criteria provided, single submitter. Criteria: LabCorp Variant Classification Summary - May 2015. Collection method: clinical testing. Allele origin: germline.

Labcorp Genetics (formerly Invitae), Labcorp
Classification: Uncertain significance for Glucose-6-phosphate transport defect. Last evaluated: 2025-11-16. Review status: criteria provided, single submitter. Criteria: Invitae Variant Classification Sherloc (09022015). Collection method: clinical testing. Allele origin: germline.
Comment: This sequence change replaces glutamic acid, which is acidic and polar, with alanine, which is neutral and non-polar, at codon 355 of the SLC37A4 protein (p.Glu355Ala). This variant is present in population databases (no rsID available, gnomAD 0.003%). This variant has not been reported in the literature in individuals affected with SLC37A4-related conditions. ClinVar contains an entry for this variant (Variation ID: 2165406). Invitae Evidence Modeling of protein sequence and biophysical properties (such as structural, functional, and spatial information, amino acid conservation, physicochemical variation, residue mobility, and thermodynamic stability) indicates that this missense variant is expected to disrupt SLC37A4 protein function with a positive predictive value of 80%. In summary, the available evidence is currently insufficient to determine the role of this variant in disease. Therefore, it has been classified as a Variant of Uncertain Significance.

NM_001164277.2(SLC37A4):c.1064A>C (p.Glu355Ala)

Gene: SLC37A4 (solute carrier family 37 member 4; minus strand). Cytogenetic location: 11q23.3.
Variant type: single nucleotide variant.
Coding change: c.1064A>C on transcript NM_001164277.2 (MANE Select); coding-DNA position 1064, A replaced by C.
Protein change: p.Glu355Ala; replaces glutamic acid 355 with alanine.
Molecular consequence: missense variant.
Genome position (GRCh38, 1-based): chr11:119,025,250, T>G on the plus strand (A>C on the coding strand, the complement: SLC37A4 is on the minus strand). VCF-style: chr11-119025250-T-G. GRCh37 (hg19) VCF-style: chr11-118895960-T-G.
Other names: c.1130A>C, p.Glu377Ala (NM_001164278.2); c.845A>C, p.Glu282Ala (NM_001164279.2); c.1064A>C, p.Glu355Ala (NM_001164280.2, NM_001467.6); short protein forms E355A, E282A, E377A.
Identifiers: ClinVar variation 2165406 (VCV002165406.4), dbSNP rs999822561, ClinGen allele CA229596173.